The following is an entry in ClinVar:

ClinVar aggregate classification (germline): Likely benign. Review status: criteria provided, single submitter (1 of 4 stars). 2 submissions from 2 submitters: Likely benign (1). 1 of the submissions does not count toward it. Last evaluated 2025-12-08.

Conditions:
Ehlers-Danlos syndrome, classic type, 1 (EDSCL1). Also called: EDS I; EHLERS-DANLOS SYNDROME, GRAVIS TYPE; EHLERS-DANLOS SYNDROME, SEVERE CLASSIC TYPE; Ehlers-Danlos syndrome, type 1; Ehlers-Danlos Syndrome, Classic Type, COL5A1-Related. Identifiers: MedGen C0268335, MONDO:0019567, OMIM 130000.
COL5A1-related disorder. Also called: COL5A1-related condition.

Allele frequency attached by ClinVar (database versions not stated): TOPMed 0.00002; 1000 Genomes Project 30x 0.00016; 1000 Genomes Project 0.00020; gnomAD 0.00001; gnomAD exomes 0.00004; ExAC 0.00023.
gnomAD v4.1: 57 of 1,546,742 alleles (0.0037%); highest among the groups gnomAD compares: South Asian, 0.063%; no homozygotes.

Submissions (2):

Labcorp Genetics (formerly Invitae), Labcorp
Classification: Likely benign for Ehlers-Danlos syndrome, classic type, 1. Last evaluated: 2025-12-08. Review status: criteria provided, single submitter. Criteria: Invitae Variant Classification Sherloc (09022015). Collection method: clinical testing. Allele origin: germline.

PreventionGenetics, part of Exact Sciences
Classification: Likely benign for COL5A1-related condition. Last evaluated: 2023-12-16. Review status: no assertion criteria provided. Collection method: clinical testing. Allele origin: germline. Not counted in ClinVar's aggregate classification.
Comment: This variant is classified as likely benign based on ACMG/AMP sequence variant interpretation guidelines (Richards et al. 2015 PMID: 25741868, with internal and published modifications).

NM_000093.5(COL5A1):c.3690+10G>A

Gene: COL5A1 (collagen type V alpha 1 chain; plus strand). Cytogenetic location: 9q34.3.
Variant type: single nucleotide variant.
Coding change: c.3690+10G>A on transcript NM_000093.5 (MANE Select); 10 bases into the intron after coding-DNA position 3690, G replaced by A.
Molecular consequence: intron variant.
Genome position (GRCh38, 1-based): chr9:134,811,609, G>A. VCF-style: chr9-134811609-G-A. GRCh37 (hg19) VCF-style: chr9-137703455-G-A.
Other names: c.3690+10G>A (NM_001278074.1, NM_000093.4).
Identifiers: ClinVar variation 2887134 (VCV002887134.4), dbSNP rs576358783, ClinGen allele CA5319977.